The following is an entry in ClinVar:

NM_001958.5(EEF1A2):c.1264+10G>T

Gene: EEF1A2 (eukaryotic translation elongation factor 1 alpha 2; minus strand). Cytogenetic location: 20q13.33.
Variant type: single nucleotide variant.
Coding change: c.1264+10G>T on transcript NM_001958.5 (MANE Select); 10 bases into the intron after coding-DNA position 1264, G replaced by T.
Molecular consequence: intron variant.
Genome position (GRCh38, 1-based): chr20:63,488,908, C>A on the plus strand (G>T on the coding strand, the complement: EEF1A2 is on the minus strand). VCF-style: chr20-63488908-C-A. GRCh37 (hg19) VCF-style: chr20-62120261-C-A.
Identifiers: ClinVar variation 387310 (VCV000387310.1), dbSNP rs1057522758, ClinGen allele CA16608026.
Genomic context (GRCh38, chr20:63,488,908, plus strand): 5'-CAGTCCTCTGCCCTCAGCCTGGATCAGCCACAGCCTGGGGGCTGCACCTCCCCGGACCAC[C>A]CCGGCTCACCGAGAGGCGGGTACTGGGAGAAGCTCTCCACACACATGGGCTTTCCCGGCA-3'

ClinVar aggregate classification (germline): Likely benign (1 of 4 stars; one submission).

Allele frequency attached by ClinVar (database versions not stated): gnomAD exomes below 0.00001.
gnomAD v4.1: 1 of 1,608,700 alleles (0.000062%); highest among the groups gnomAD compares: South Asian, 0.0011%; no homozygotes.

Submission:

GeneDx
Classification: Likely benign. Last evaluated: 2016-07-11. Review status: criteria provided, single submitter. Criteria: GeneDx Variant Classification (06012015). Collection method: clinical testing. Allele origin: germline. Affected: yes.
Comment: This variant is considered likely benign or benign based on one or more of the following criteria: it is a conservative change, it occurs at a poorly conserved position in the protein, it is predicted to be benign by multiple in silico algorithms, and/or has population frequency not consistent with disease.